The following is an entry in ClinVar:

NM_001037.5(SCN1B):c.137G>T (p.Arg46Leu)

Gene: SCN1B (sodium voltage-gated channel beta subunit 1; plus strand). Cytogenetic location: 19q13.11.
Variant type: single nucleotide variant.
Coding change: c.137G>T on transcript NM_001037.5 (MANE Select); coding-DNA position 137, G replaced by T.
Protein change: p.Arg46Leu; replaces arginine 46 with leucine.
Molecular consequence: missense variant.
Genome position (GRCh38, 1-based): chr19:35,032,624, G>T. VCF-style: chr19-35032624-G-T. GRCh37 (hg19) VCF-style: chr19-35523528-G-T.
Other names: c.137G>T (NM_001037.4); c.38G>T, p.Arg13Leu (NM_001321605.2); c.137G>T, p.Arg46Leu (NM_199037.5); short protein forms R13L, R46L.
Identifiers: ClinVar variation 1021619 (VCV001021619.9), dbSNP rs1024702691, ClinGen allele CA405328124.

ClinVar aggregate classification (germline): Uncertain significance. Review status: criteria provided, multiple submitters, no conflicts (2 of 4 stars). 2 submissions from 2 submitters: Uncertain significance (2). Last evaluated 2026-01-15.

Conditions:
Brugada syndrome 5 (BRGDA5). Identifiers: Orphanet 130, Orphanet 871, MedGen C2748541, MONDO:0013015, OMIM 612838.

Allele frequency attached by ClinVar (database versions not stated): gnomAD 0.00001.
gnomAD v4.1: 1 of 1,614,144 alleles (0.000062%); highest among the groups gnomAD compares: Non-Finnish European, 0.000085%; no homozygotes.

Submissions (2):

GeneDx
Classification: Uncertain significance. Last evaluated: 2026-01-15. Review status: criteria provided, single submitter. Criteria: GeneDx Variant Classification Process June 2021. Collection method: clinical testing. Allele origin: germline.
Comment: Not observed at significant frequency in large population cohorts (gnomAD); In silico analysis supports that this missense variant has a deleterious effect on protein structure/function; Has not been previously published as pathogenic or benign to our knowledge

Labcorp Genetics (formerly Invitae), Labcorp
Classification: Uncertain significance for Brugada syndrome 5. Last evaluated: 2024-04-05. Review status: criteria provided, single submitter. Criteria: Invitae Variant Classification Sherloc (09022015). Collection method: clinical testing. Allele origin: germline.
Comment: This sequence change replaces arginine, which is basic and polar, with leucine, which is neutral and non-polar, at codon 46 of the SCN1B protein (p.Arg46Leu). This variant is not present in population databases (gnomAD no frequency). This variant has not been reported in the literature in individuals affected with SCN1B-related conditions. ClinVar contains an entry for this variant (Variation ID: 1021619). An algorithm developed to predict the effect of missense changes on protein structure and function (PolyPhen-2) suggests that this variant is likely to be disruptive. In summary, the available evidence is currently insufficient to determine the role of this variant in disease. Therefore, it has been classified as a Variant of Uncertain Significance.